The following is an entry in ClinVar:

NM_001329943.3(KIAA0586):c.2002A>T (p.Asn668Tyr)

Gene: KIAA0586 (KIAA0586; plus strand). Cytogenetic location: 14q23.1.
Variant type: single nucleotide variant.
Coding change: c.2002A>T on transcript NM_001329943.3 (MANE Select); coding-DNA position 2002, A replaced by T.
Protein change: p.Asn668Tyr; replaces asparagine 668 with tyrosine.
Molecular consequence: missense variant.
Genome position (GRCh38, 1-based): chr14:58,461,103, A>T. VCF-style: chr14-58461103-A-T. GRCh37 (hg19) VCF-style: chr14-58927821-A-T.
Other names: c.1870A>T, p.Asn624Tyr (NM_001244192.2); c.1582A>T, p.Asn528Tyr (NM_001244193.2); c.2002A>T, p.Asn668Tyr (NM_001329944.2, NM_001329946.2, NM_001329947.2); c.1747A>T, p.Asn583Tyr (NM_001329945.2, NM_001364700.1, NM_001364701.2 and 1 more transcripts); c.1774A>T, p.Asn592Tyr (NM_014749.5); c.2161A>T, p.Asn721Tyr (NM_001244189.2); c.1957A>T, p.Asn653Tyr (NM_001244190.2); short protein forms N583Y, N653Y, N668Y, N528Y, N592Y, N624Y, N721Y.
Identifiers: ClinVar variation 1905582 (VCV001905582.5), dbSNP rs944817369, ClinGen allele CA261627364.

ClinVar aggregate classification (germline): Uncertain significance (1 of 4 stars; one submission).

Conditions:
Joubert syndrome 23 (JBTS23). Identifiers: Orphanet 475, MedGen C4084822, MONDO:0014664, OMIM 616490.
Short-rib thoracic dysplasia 14 with polydactyly (SRTD14). Identifiers: Orphanet 397715, MedGen C4225286, MONDO:0014688, OMIM 616546.

Submission:

Labcorp Genetics (formerly Invitae), Labcorp
Classification: Uncertain significance for Joubert syndrome 23; Short-rib thoracic dysplasia 14 with polydactyly. Last evaluated: 2023-08-04. Review status: criteria provided, single submitter. Criteria: Invitae Variant Classification Sherloc (09022015). Collection method: clinical testing. Allele origin: germline.
Comment: In summary, the available evidence is currently insufficient to determine the role of this variant in disease. Therefore, it has been classified as a Variant of Uncertain Significance. Advanced modeling of protein sequence and biophysical properties (such as structural, functional, and spatial information, amino acid conservation, physicochemical variation, residue mobility, and thermodynamic stability) performed at Invitae indicates that this missense variant is expected to disrupt KIAA0586 protein function. ClinVar contains an entry for this variant (Variation ID: 1905582). This variant has not been reported in the literature in individuals affected with KIAA0586-related conditions. This variant is not present in population databases (gnomAD no frequency). This sequence change replaces asparagine, which is neutral and polar, with tyrosine, which is neutral and polar, at codon 721 of the KIAA0586 protein (p.Asn721Tyr).